The following is an entry in ClinVar:

ClinVar aggregate classification (germline): Benign (1 of 4 stars; one submission).

Allele frequency attached by ClinVar (database versions not stated): 1000 Genomes Project 30x 0.03763; 1000 Genomes Project 0.03874; TOPMed 0.06070; gnomAD 0.06904 and 0.07082.
gnomAD v4.1: 10,460 of 152,240 alleles (6.9%); highest among the groups gnomAD compares: Non-Finnish European, 10%; 501 homozygotes.

Submission:

GeneDx
Classification: Benign. Last evaluated: 2018-06-14. Review status: criteria provided, single submitter. Criteria: GeneDx Variant Classification (06012015). Collection method: clinical testing. Allele origin: germline. Affected: yes.
Comment: This variant is considered likely benign or benign based on one or more of the following criteria: it is a conservative change, it occurs at a poorly conserved position in the protein, it is predicted to be benign by multiple in silico algorithms, and/or has population frequency not consistent with disease.

NM_152415.3(VPS37A):c.1113+214T>C

Gene: VPS37A (VPS37A subunit of ESCRT-I; plus strand). Cytogenetic location: 8p22.
Variant type: single nucleotide variant.
Coding change: c.1113+214T>C on transcript NM_152415.3 (MANE Select); 214 bases into the intron after coding-DNA position 1113, T replaced by C.
Molecular consequence: intron variant.
Genome position (GRCh38, 1-based): chr8:17,284,830, T>C. VCF-style: chr8-17284830-T-C. GRCh37 (hg19) VCF-style: chr8-17142339-T-C.
Other names: c.825+214T>C (NM_001363172.2, NM_001363170.1, NM_001363171.1); c.1113+214T>C (NM_001363173.2); c.843+214T>C (NM_001363168.1, NM_001363169.1); c.1095+214T>C (NM_001363167.1); c.1038+214T>C (NM_001145152.2).
Identifiers: ClinVar variation 670267 (VCV000670267.1), dbSNP rs73208584, ClinGen allele CA15544998.